The following is an entry in ClinVar:

ClinVar aggregate classification (germline): Uncertain significance (1 of 4 stars; one submission).

Conditions:
Epidermolysis bullosa simplex 3, localized or generalized intermediate, with BP230 deficiency (EBS3). Also called: Epidermolysis bullosa simplex, autosomal recessive 2; Epidermolysis bullosa simplex due to BP230 deficiency. Identifiers: Orphanet 412181, MedGen C3809470, MONDO:0014180, OMIM 615425.
Hereditary sensory and autonomic neuropathy type 6. Also called: Neuropathy, hereditary sensory and autonomic, type VI; HSAN VI. Identifiers: Orphanet 314381, MedGen C3539003, MONDO:0013839, OMIM 614653.

Submission:

Labcorp Genetics (formerly Invitae), Labcorp
Classification: Uncertain significance for Epidermolysis bullosa simplex 3, localized or generalized intermediate, with BP230 deficiency; Hereditary sensory and autonomic neuropathy type 6. Last evaluated: 2021-08-30. Review status: criteria provided, single submitter. Criteria: Invitae Variant Classification Sherloc (09022015). Collection method: clinical testing. Allele origin: germline.
Comment: This sequence change replaces methionine with lysine at codon 1088 of the DST protein (p.Met1088Lys). The methionine residue is highly conserved and there is a moderate physicochemical difference between methionine and lysine. This variant is not present in population databases (ExAC no frequency). This variant has not been reported in the literature in individuals affected with DST-related conditions. Algorithms developed to predict the effect of missense changes on protein structure and function (SIFT, PolyPhen-2, Align-GVGD) all suggest that this variant is likely to be disruptive. Algorithms developed to predict the effect of sequence changes on RNA splicing suggest that this variant may create or strengthen a splice site. In summary, the available evidence is currently insufficient to determine the role of this variant in disease. Therefore, it has been classified as a Variant of Uncertain Significance.

NM_001374736.1(DST):c.4874T>A (p.Met1625Lys)

Gene: DST (dystonin; minus strand). Cytogenetic location: 6p12.1.
Variant type: single nucleotide variant.
Coding change: c.4874T>A on transcript NM_001374736.1 (MANE Select); coding-DNA position 4874, T replaced by A.
Protein change: p.Met1625Lys; replaces methionine 1625 with lysine.
Molecular consequence: missense variant.
Genome position (GRCh38, 1-based): chr6:56,624,585, A>T on the plus strand (T>A on the coding strand, the complement: DST is on the minus strand). VCF-style: chr6-56624585-A-T. GRCh37 (hg19) VCF-style: chr6-56489383-A-T.
Other names: c.4775T>A, p.Met1592Lys (NM_001144769.5); c.4361T>A, p.Met1454Lys (NM_001144770.2); c.4874T>A, p.Met1625Lys (NM_001374722.1); c.4241T>A, p.Met1414Lys (NM_001374729.1, NM_001374730.1, NM_001386100.1 and 1 more transcripts); c.4901T>A, p.Met1634Lys (NM_001374734.1); c.3263T>A, p.Met1088Lys (NM_001723.7, NM_015548.5); short protein forms M1088K, M1592K, M1414K, M1454K, M1634K, M1625K.
Identifiers: ClinVar variation 1378705 (VCV001378705.3), dbSNP rs2152746739, ClinGen allele CA364572567.